The following is an entry in ClinVar:

ClinVar aggregate classification (germline): Likely pathogenic (1 of 4 stars; one submission).

Conditions:
Autosomal recessive limb-girdle muscular dystrophy type 2B (LGMDR2). Also called: MUSCULAR DYSTROPHY, LIMB-GIRDLE, TYPE 3; MUSCULAR DYSTROPHY, LIMB-GIRDLE, AUTOSOMAL RECESSIVE 2; Limb-Girdle Muscular Dystrophy Type 2B (LGMD2B); Limb-girdle muscular dystrophy, type 2B. Identifiers: Orphanet 268, MedGen C1850889, MONDO:0009676, OMIM 253601.

Submission:

Natera, Inc.
Classification: Likely pathogenic for Limb-girdle muscular dystrophy type 2B. Last evaluated: 2024-03-06. Review status: criteria provided, single submitter. Criteria: Natera Variant Classification Schema (03/2026). Collection method: clinical testing. Allele origin: germline.
Comment: The c.3154C>T variant in DYSF is a nonsense variant predicted to introduce a stop codon at amino acid 1052. This variant is expected to result in nonsense mediated decay, truncation, or a dysfunctional protein product. This variant is rare in the general population with a frequency below the threshold expected for the associated phenotype(s). Given the available evidence, this variant is classified as Likely Pathogenic.

NM_001130987.2(DYSF):c.3208C>T (p.Gln1070Ter)

Gene: DYSF (dysferlin; plus strand). Cytogenetic location: 2p13.2.
Variant type: single nucleotide variant.
Coding change: c.3208C>T on transcript NM_001130987.2 (MANE Select); coding-DNA position 3208, C replaced by T.
Protein change: p.Gln1070Ter; replaces glutamine 1070 with a stop codon.
Molecular consequence: nonsense.
Genome position (GRCh38, 1-based): chr2:71,570,721, C>T. VCF-style: chr2-71570721-C-T. GRCh37 (hg19) VCF-style: chr2-71797851-C-T.
Other names: c.3157C>T, p.Gln1053Ter (NM_001130455.2, NM_001130983.2); c.3112C>T, p.Gln1038Ter (NM_001130976.2, NM_001130977.2); c.3154C>T, p.Gln1052Ter (NM_001130978.2, NM_003494.4); c.3247C>T, p.Gln1083Ter (NM_001130979.2); c.3205C>T, p.Gln1069Ter (NM_001130980.2, NM_001130981.2); c.3250C>T, p.Gln1084Ter (NM_001130982.2); c.3115C>T, p.Gln1039Ter (NM_001130984.2, NM_001130986.2); c.3208C>T, p.Gln1070Ter (NM_001130985.2); short protein forms Q1038*, Q1039*, Q1052*, Q1053*, Q1069*, Q1070*, Q1083*, Q1084*.
Identifiers: ClinVar variation 4815138 (VCV004815138.1).
Genomic context (GRCh38, chr2:71,570,721, plus strand): 5'-AAGATGTACTACACACACCGACGGCGGCGCTGGGTGCGCCTGCGCAGGAGGGATCTCAGC[C>T]AAATGGAAGCACTGAAAAGGGTGAGCCAGCAGGTGGTGGGTGGGAGTGAGGCCTGTGGTC-3'